The following is an entry in ClinVar:

NM_058216.3(RAD51C):c.144A>C (p.Lys48Asn)

Gene: RAD51C (RAD51 paralog C; plus strand). Cytogenetic location: 17q22.
Variant type: single nucleotide variant.
Coding change: c.144A>C on transcript NM_058216.3 (MANE Select); coding-DNA position 144, A replaced by C.
Protein change: p.Lys48Asn; replaces lysine 48 with asparagine.
Molecular consequence: missense variant. On other transcripts: non-coding transcript variant (1).
Genome position (GRCh38, 1-based): chr17:58,692,787, A>C. VCF-style: chr17-58692787-A-C. GRCh37 (hg19) VCF-style: chr17-56770148-A-C.
Other names: c.144A>C, p.Lys48Asn (NM_002876.4, NM_058217.1); short protein forms K48N.
Identifiers: ClinVar variation 1772879 (VCV001772879.3), dbSNP rs2143681035, ClinGen allele CA400337896.

ClinVar aggregate classification (germline): Uncertain significance (1 of 4 stars; one submission).

Conditions:
Hereditary cancer-predisposing syndrome. Also called: Hereditary Cancer Syndrome; Hereditary neoplastic syndrome; Neoplastic Syndromes, Hereditary; Tumor predisposition. Identifiers: Orphanet 140162, MedGen C0027672, MeSH D009386, MONDO:0015356.

Allele frequency attached by ClinVar (database versions not stated): gnomAD exomes below 0.00001.
gnomAD v4.1: 1 of 1,614,186 alleles (0.000062%); highest among the groups gnomAD compares: Non-Finnish European, 0.000085%; no homozygotes.

Submission:

Ambry Genetics
Classification: Uncertain significance for Hereditary cancer-predisposing syndrome. Last evaluated: 2026-06-17. Review status: criteria provided, single submitter. Criteria: Ambry Variant Classification Scheme 2023. Collection method: clinical testing. Allele origin: germline.
Comment: The p.K48N variant (also known as c.144A>C), located in coding exon 1 of the RAD51C gene, results from an A to C substitution at nucleotide position 144. The lysine at codon 48 is replaced by asparagine, an amino acid with similar properties. This amino acid position is highly conserved in available vertebrate species. In addition, this alteration is predicted to be tolerated by in silico analysis. In a homology-directed DNA repair (HDR) assay, this alteration showed a functionally indeterminant read-out (Olvera-Le&oacute;n R et al. Cell, 2024 Oct;187:5719-5734.e19). Since supporting evidence is limited at this time, the clinical significance of this alteration remains unclear.

Literature cited by the submitters: PubMed 39299233.